The following is an entry in ClinVar:

NM_000550.3(TYRP1):c.1579G>C (p.Glu527Gln)

Genes: LURAP1L-AS1 (LURAP1L antisense RNA 1; minus strand), TYRP1 (tyrosinase related protein 1; plus strand). Cytogenetic location: 9p23.
Variant type: single nucleotide variant.
Coding change: c.1579G>C on transcript NM_000550.3 (MANE Select); coding-DNA position 1579, G replaced by C.
Protein change: p.Glu527Gln; replaces glutamic acid 527 with glutamine.
Molecular consequence: missense variant.
Genome position (GRCh38, 1-based): chr9:12,709,147, G>C. VCF-style: chr9-12709147-G-C. GRCh37 (hg19) VCF-style: chr9-12709147-G-C.
Other names: c.1579G>C (NM_000550.2); short protein forms E527Q.
Identifiers: ClinVar variation 1146108 (VCV001146108.11), dbSNP rs570548703, ClinGen allele CA4985632.

ClinVar aggregate classification (germline): Conflicting classifications of pathogenicity. Review status: criteria provided, conflicting classifications (1 of 4 stars). 3 submissions from 3 submitters: Uncertain significance (1); Benign (1); Likely benign (1). Last evaluated 2025-03-27.

Allele frequency attached by ClinVar (database versions not stated): TOPMed 0.00001; gnomAD 0.00012; gnomAD exomes 0.00026 and 0.00051; ExAC 0.00051; 1000 Genomes Project 0.00140; 1000 Genomes Project 30x 0.00141.
gnomAD v4.1: 390 of 1,612,480 alleles (0.024%); highest among the groups gnomAD compares: South Asian, 0.41%; 5 homozygotes.

Submissions (3):

Labcorp Genetics (formerly Invitae), Labcorp
Classification: Likely benign. Last evaluated: 2025-03-27. Review status: criteria provided, single submitter. Criteria: Invitae Variant Classification Sherloc (09022015). Collection method: clinical testing. Allele origin: germline.

Blueprint Genetics
Classification: Benign. Last evaluated: 2024-07-16. Review status: criteria provided, single submitter. Criteria: ACMG Guidelines, 2015. Collection method: clinical testing. Allele origin: germline.

GeneDx
Classification: Uncertain significance. Last evaluated: 2024-06-29. Review status: criteria provided, single submitter. Criteria: GeneDx Variant Classification Process June 2021. Collection method: clinical testing. Allele origin: germline. Affected: yes.
Comment: In silico analysis indicates that this missense variant does not alter protein structure/function; This variant is associated with the following publications: (PMID: 34426522, 28378818)